The following is an entry in ClinVar:

ClinVar aggregate classification (germline): Pathogenic (1 of 4 stars; one submission).

Conditions:
Hereditary breast ovarian cancer syndrome. Also called: Hereditary breast and ovarian cancer syndrome; Hereditary breast and ovarian cancer syndrome (HBOC); Hereditary breast and/or ovarian cancer syndrome; Hereditary breast and ovarian cancer; BRCA1- and BRCA2-Associated Hereditary Breast and Ovarian Cancer; Breast and ovarian cancer. Identifiers: Orphanet 145, MedGen C0677776, MeSH D061325, MONDO:0003582. Disease mechanism: loss of function.

Submission:

Labcorp Genetics (formerly Invitae), Labcorp
Classification: Pathogenic for Hereditary breast ovarian cancer syndrome. Last evaluated: 2019-10-15. Review status: criteria provided, single submitter. Criteria: Invitae Variant Classification Sherloc (09022015). Collection method: clinical testing. Allele origin: germline.
Comment: This sequence change creates a premature translational stop signal (p.Ala1584Profs*17) in the BRCA1 gene. It is expected to result in an absent or disrupted protein product. This variant is not present in population databases (ExAC no frequency). This variant has not been reported in the literature in individuals with BRCA1-related conditions. Loss-of-function variants in BRCA1 are known to be pathogenic (PMID: 20104584). For these reasons, this variant has been classified as Pathogenic.

Literature cited by the submitters: PubMed 20104584.

NM_007294.4(BRCA1):c.4750del (p.Ala1584fs)

Gene: BRCA1 (BRCA1 DNA repair associated; minus strand). Cytogenetic location: 17q21.31.
Variant type: Deletion.
Coding change: c.4750del on transcript NM_007294.4 (MANE Select); coding-DNA position 4750, one base deleted (G; older notation c.4750delG).
Protein change: p.Ala1584fs; shifts the reading frame from alanine 1584.
Molecular consequence: frameshift variant. On other transcripts: non-coding transcript variant (1).
Genome position (GRCh38, 1-based): chr17:43,071,164, C deleted on the plus strand (G on the coding strand, the reverse complement: BRCA1 is on the minus strand). VCF-style (leftmost placement, unchanged base first): chr17-43071163-GC-G. GRCh37 (hg19) VCF-style: chr17-41223180-GC-G.
Other names: c.4537delG, p.Ala1513Profs (NM_001407571.1, NM_001407894.1, NM_001407895.1 and 12 more transcripts); c.4816delG, p.Ala1606Profs (NM_001407581.1, NM_001407582.1); c.4813delG, p.Ala1605Profs (NM_001407583.1, NM_001407585.1, NM_001407587.1); c.4810delG, p.Ala1604Profs (NM_001407590.1, NM_001407591.1); c.4750delG, p.Ala1584Profs (NM_001407593.1, NM_001407594.1, NM_001407596.1 and 9 more transcripts); c.4747delG, p.Ala1583Profs (NM_001407610.1, NM_001407611.1, NM_001407612.1 and 17 more transcripts); c.4744delG, p.Ala1582Profs (NM_001407627.1, NM_001407628.1, NM_001407629.1 and 14 more transcripts); c.4741delG, p.Ala1581Profs (NM_001407644.1, NM_001407645.1); and 73 more; short protein forms A1584fs, A1605fs, A480fs, A1537fs.
Identifiers: ClinVar variation 934769 (VCV000934769.9), dbSNP rs2052416215, ClinGen allele CA1139665582.
Genomic context (GRCh38, chr17:43,071,163, plus strand): 5'-TGGGGAACTTTCAATGCAGAGGTTGAAGATGGTATGTTGCCAACACGAGCTGACTCTGGG[GC>G]TCTGTCTTCAGAAGGATCAGATTCAGGGTCATCAGAGAAGAGGCTGATTCCAGATTCCAG-3'